The following is an entry in ClinVar:

NM_032043.3(BRIP1):c.2634_2637delinsAGAG (p.Leu878_Glu879=)

Gene: BRIP1 (BRCA1 interacting DNA helicase 1; minus strand). Cytogenetic location: 17q23.2.
Variant type: Indel.
Coding change: c.2634_2637delinsAGAG on transcript NM_032043.3 (MANE Select); coding-DNA positions 2634 to 2637, GGAA replaced by AGAG.
Protein change: p.Leu878_Glu879=.
Molecular consequence: synonymous variant.
Genome position (GRCh38, 1-based): chr17:61,686,104-61,686,107, TTCC replaced by CTCT on the plus strand (GGAA replaced by AGAG on the coding strand, the reverse complement: BRIP1 is on the minus strand). VCF-style: chr17-61686104-TTCC-CTCT. GRCh37 (hg19) VCF-style: chr17-59763465-TTCC-CTCT.
Identifiers: ClinVar variation 3378896 (VCV003378896.1).

ClinVar aggregate classification (germline): Benign (1 of 4 stars; one submission).

Conditions:
Familial cancer of breast. Also called: hereditary breast carcinoma; Hereditary breast cancer; BREAST CANCER, FAMILIAL. Identifiers: Orphanet 227535, MedGen C0346153, MONDO:0016419, OMIM 114480. Disease mechanism: loss of function.

Submission:

Myriad Genetics, Inc.
Classification: Benign for Familial cancer of breast. Last evaluated: 2024-09-05. Review status: criteria provided, single submitter. Criteria: Myriad Autosomal Dominant, Autosomal Recessive and X-Linked Classification Criteria (2023). Collection method: clinical testing. Allele origin: unknown.
Comment: This variant is considered benign. This variant is a silent/synonymous amino acid change and it is not expected to impact splicing.